The following is an entry in ClinVar:

NM_001040.5(SHBG):c.1066G>A (p.Asp356Asn)

Gene: SHBG (sex hormone binding globulin; plus strand). Cytogenetic location: 17p13.1.
Variant type: single nucleotide variant.
Coding change: c.1066G>A on transcript NM_001040.5 (MANE Select); coding-DNA position 1066, G replaced by A.
Protein change: p.Asp356Asn; replaces aspartic acid 356 with asparagine.
Molecular consequence: missense variant. On other transcripts: synonymous variant (2).
Genome position (GRCh38, 1-based): chr17:7,633,209, G>A. VCF-style: chr17-7633209-G-A. GRCh37 (hg19) VCF-style: chr17-7536527-G-A.
Other names: c.1012G>A, p.Asp338Asn (NM_001146279.3); c.858G>A, p.Lys286= (NM_001146280.3); c.721G>A, p.Asp241Asn (NM_001146281.3); c.892G>A, p.Asp298Asn (NM_001289113.2, NM_001289114.2); c.684G>A, p.Lys228= (NM_001289115.2); c.718G>A, p.Asp240Asn (NM_001289116.2); short protein forms D240N, D241N, D298N, D338N, D356N.
Identifiers: ClinVar variation 1222450 (VCV001222450.6), dbSNP rs6259, ClinGen allele CA8354480.
Genomic context (GRCh38, chr17:7,633,209, plus strand): 5'-CTGGATCCGAGCCACCTTAATGCTCTAATGCCACCTTTGCACTACCTCCCTCTAGGAGAA[G>A]ACTCTTCCACCTCTTTTTGCCTGAATGGCCTTTGGGCACAAGGTCAGAGGCTGGATGTGG-3'
Protein context (NP_001031.2, residues 346-366): RLFLGALPGE[Asp356Asn]SSTSFCLNGL

ClinVar aggregate classification (germline): Benign. Review status: criteria provided, multiple submitters, no conflicts (2 of 4 stars). 3 submissions from 3 submitters: Benign (2). 1 of the submissions does not count toward it. Last evaluated 2020-06-23.

Conditions:
SHBG-related disorder. Also called: SHBG-related condition.

Allele frequency attached by ClinVar (database versions not stated): 1000 Genomes Project 30x 0.06480; 1000 Genomes Project 0.06530; gnomAD 0.08105 and 0.08135; gnomAD exomes 0.08910 and 0.11040; ExAC 0.08993; ESP Exome Variant Server 0.09242.
gnomAD v4.1: 173,456 of 1,613,714 alleles (11%); highest among the groups gnomAD compares: Non-Finnish European, 12%; 10,370 homozygotes.

Submissions (3):

GeneDx
Classification: Benign. Last evaluated: 2020-06-23. Review status: criteria provided, single submitter. Criteria: GeneDx Variant Classification Process June 2021. Collection method: clinical testing. Allele origin: germline. Affected: yes.
Comment: This variant is associated with the following publications: (PMID: 10424400, 19649728, 20974254, 23305451, 19168589, 17315164, 19679209, 21454829)

Breakthrough Genomics
Classification: Benign. Review status: criteria provided, single submitter. Criteria: ACMG Guidelines, 2015. Collection method: not provided. Allele origin: germline. Inheritance: Unknown mechanism. Affected: yes.

PreventionGenetics, part of Exact Sciences
Classification: Benign for SHBG-related condition. Last evaluated: 2019-11-04. Review status: no assertion criteria provided. Collection method: clinical testing. Allele origin: germline. Not counted in ClinVar's aggregate classification.
Comment: This variant is classified as benign based on ACMG/AMP sequence variant interpretation guidelines (Richards et al. 2015 PMID: 25741868, with internal and published modifications).